The following is an entry in ClinVar:

ClinVar aggregate classification (germline): Likely benign (1 of 4 stars; one submission).

Submission:

CeGaT Center for Human Genetics Tuebingen
Classification: Likely benign. Last evaluated: 2025-08-01. Review status: criteria provided, single submitter. Criteria: CeGaT Center For Human Genetics Tuebingen Variant Classification Criteria Version 2. Collection method: clinical testing. Allele origin: germline. Affected: yes. Observed: 1 variant allele.
Comment: MSH6: PM2:Supporting, BP4, BP7

NM_000179.3(MSH6):c.795T>C (p.Phe265=)

Gene: MSH6 (mutS homolog 6; plus strand). Cytogenetic location: 2p16.3.
Variant type: single nucleotide variant.
Coding change: c.795T>C on transcript NM_000179.3 (MANE Select); coding-DNA position 795, T replaced by C.
Protein change: p.Phe265=; no amino-acid change (phenylalanine 265 retained).
Molecular consequence: synonymous variant. On other transcripts: 5 prime UTR variant (9), non-coding transcript variant (4), intron variant (1).
Genome position (GRCh38, 1-based): chr2:47,798,778, T>C. VCF-style: chr2-47798778-T-C. GRCh37 (hg19) VCF-style: chr2-48025917-T-C.
Other names: c.405T>C, p.Phe135= (NM_001281492.2); c.-112T>C (NM_001281493.2, NM_001281494.2, NM_001406811.1 and 6 more transcripts); c.891T>C, p.Phe297= (NM_001406795.1, NM_001406802.1); c.795T>C, p.Phe265= (NM_001406796.1, NM_001406798.1, NM_001406800.1 and 4 more transcripts); c.498T>C, p.Phe166= (NM_001406797.1, NM_001406801.1, NM_001406805.1 and 10 more transcripts); c.270T>C, p.Phe90= (NM_001406799.1, NM_001406806.1, NM_001406807.1); c.717T>C, p.Phe239= (NM_001406804.1); c.801T>C, p.Phe267= (NM_001406813.1); and 2 more.
Identifiers: ClinVar variation 4085699 (VCV004085699.8).